The following is an entry in ClinVar:

ClinVar aggregate classification (germline): Uncertain significance (1 of 4 stars; one submission).

Conditions:
Pityriasis rubra pilaris (PRP). Also called: Pityriasis rubra pilaris--familial type. Identifiers: Orphanet 2897, MedGen C0032027, MONDO:0100017, OMIM 173200, MONDO:0008251.
Psoriasis 2. Identifiers: MedGen C1864497, MONDO:0011269, OMIM 602723.

Allele frequency attached by ClinVar (database versions not stated): gnomAD exomes below 0.00001; ExAC 0.00001; gnomAD 0.00002; TOPMed 0.00003.
gnomAD v4.1: 7 of 1,612,088 alleles (0.00043%); highest among the groups gnomAD compares: African/African-American, 0.0067%; no homozygotes.

Submission:

Labcorp Genetics (formerly Invitae), Labcorp
Classification: Uncertain significance for Pityriasis rubra pilaris; Psoriasis 2. Last evaluated: 2018-09-24. Review status: criteria provided, single submitter. Criteria: Invitae Variant Classification Sherloc (09022015). Collection method: clinical testing. Allele origin: germline.
Comment: In summary, the available evidence is currently insufficient to determine the role of this variant in disease. Therefore, it has been classified as a Variant of Uncertain Significance. Algorithms developed to predict the effect of missense changes on protein structure and function (SIFT, PolyPhen-2, Align-GVGD) all suggest that this variant is likely to be tolerated, but these predictions have not been confirmed by published functional studies and their clinical significance is uncertain. This variant has not been reported in the literature in individuals with CARD14-related disease. This variant is present in population databases (rs764792856, ExAC 0.01%). This sequence change replaces threonine with alanine at codon 530 of the CARD14 protein (p.Thr530Ala). The threonine residue is weakly conserved and there is a small physicochemical difference between threonine and alanine.

NM_001366385.1(CARD14):c.1588A>G (p.Thr530Ala)

Gene: CARD14 (caspase recruitment domain family member 14; plus strand). Cytogenetic location: 17q25.3.
Variant type: single nucleotide variant.
Coding change: c.1588A>G on transcript NM_001366385.1 (MANE Select); coding-DNA position 1588, A replaced by G.
Protein change: p.Thr530Ala; replaces threonine 530 with alanine.
Molecular consequence: missense variant. On other transcripts: non-coding transcript variant (1).
Genome position (GRCh38, 1-based): chr17:80,195,646, A>G. VCF-style: chr17-80195646-A-G. GRCh37 (hg19) VCF-style: chr17-78169445-A-G.
Other names: c.1588A>G, p.Thr530Ala (NM_024110.4, NM_001257970.1); c.877A>G, p.Thr293Ala (NM_052819.3); short protein forms T293A, T530A.
Identifiers: ClinVar variation 659969 (VCV000659969.9), dbSNP rs764792856, ClinGen allele CA8816872.